The following is an entry in ClinVar:

ClinVar aggregate classification (germline): Benign. Review status: criteria provided, single submitter (1 of 4 stars). 2 submissions from 1 submitter: Benign (2). Last evaluated 2018-01-13.

Conditions:
Adult-onset proximal spinal muscular atrophy, autosomal dominant. Also called: Spinal muscular atrophy, late-onset, finkel type; FINKEL LATE-ADULT TYPE SMA. Identifiers: Orphanet 209335, MedGen C1854058, MONDO:0008453, OMIM 182980.
Amyotrophic lateral sclerosis type 8 (ALS8). Identifiers: Orphanet 803, MedGen C1837728, MONDO:0012077, OMIM 608627.

Allele frequency attached by ClinVar (database versions not stated): ExAC 0.00019; gnomAD exomes 0.00059 and 0.00099; gnomAD 0.00500 and 0.00529; TOPMed 0.00540; 1000 Genomes Project 0.00699; 1000 Genomes Project 30x 0.00718.
gnomAD v4.1: 942 of 453,962 alleles (0.21%); highest among the groups gnomAD compares: African/African-American, 1.7%; 11 homozygotes.

Submissions (2):

Illumina Laboratory Services, Illumina
Classification: Benign for Adult-onset proximal spinal muscular atrophy, autosomal dominant. Last evaluated: 2018-01-13. Review status: criteria provided, single submitter. Criteria: ICSL Variant Classification Criteria 13 December 2019. Collection method: clinical testing. Allele origin: germline.
Comment: This variant was observed in the ICSL laboratory as part of a predisposition screen in an ostensibly healthy population. It had not been previously curated by ICSL or reported in the Human Gene Mutation Database (HGMD: prior to June 1st, 2018), and was therefore a candidate for classification through an automated scoring system. Utilizing variant allele frequency, disease prevalence and penetrance estimates, and inheritance mode, an automated score was calculated to assess if this variant is too frequent to cause the disease. Based on the score and internal cut-off values, a variant classified as benign is not then subjected to further curation. The score for this variant resulted in a classification of benign for this disease.

Illumina Laboratory Services, Illumina
Classification: Benign for Amyotrophic lateral sclerosis type 8. Last evaluated: 2018-01-13. Review status: criteria provided, single submitter. Criteria: ICSL Variant Classification Criteria 13 December 2019. Collection method: clinical testing. Allele origin: germline.
Comment: the same text as in the submission from Illumina Laboratory Services, Illumina above.

NM_004738.5(VAPB):c.*1641G>A

Gene: VAPB (VAMP associated protein B and C; plus strand). Cytogenetic location: 20q13.32.
Variant type: single nucleotide variant.
Coding change: c.*1641G>A on transcript NM_004738.5 (MANE Select); 1641 bases downstream of the stop codon, G replaced by A.
Molecular consequence: 3 prime UTR variant. On other transcripts: non-coding transcript variant (1).
Genome position (GRCh38, 1-based): chr20:58,445,876, G>A. VCF-style: chr20-58445876-G-A. GRCh37 (hg19) VCF-style: chr20-57020932-G-A.
Other names: c.*1711G>A (NM_001195677.2).
Identifiers: ClinVar variation 899120 (VCV000899120.5), dbSNP rs116584680, ClinGen allele CA9924462.